The following is an entry in ClinVar:

ClinVar aggregate classification (germline): Uncertain significance (1 of 4 stars; one submission).

Allele frequency attached by ClinVar (database versions not stated): gnomAD 0.00001; TOPMed 0.00001; ExAC 0.00003; gnomAD exomes 0.00003 and 0.00004.

Submission:

Labcorp Genetics (formerly Invitae), Labcorp
Classification: Uncertain significance. Last evaluated: 2023-11-27. Review status: criteria provided, single submitter. Criteria: Invitae Variant Classification Sherloc (09022015). Collection method: clinical testing. Allele origin: germline.
Comment: This sequence change replaces glutamine, which is neutral and polar, with arginine, which is basic and polar, at codon 188 of the AHR protein (p.Gln188Arg). This variant is present in population databases (rs763630219, gnomAD 0.006%). This variant has not been reported in the literature in individuals affected with AHR-related conditions. ClinVar contains an entry for this variant (Variation ID: 1051795). An algorithm developed to predict the effect of missense changes on protein structure and function (PolyPhen-2) suggests that this variant is likely to be disruptive. In summary, the available evidence is currently insufficient to determine the role of this variant in disease. Therefore, it has been classified as a Variant of Uncertain Significance.

NM_001621.5(AHR):c.563A>G (p.Gln188Arg)

Gene: AHR (aryl hydrocarbon receptor; plus strand). Cytogenetic location: 7p21.1.
Variant type: single nucleotide variant.
Coding change: c.563A>G on transcript NM_001621.5 (MANE Select); coding-DNA position 563, A replaced by G.
Protein change: p.Gln188Arg; replaces glutamine 188 with arginine.
Molecular consequence: missense variant.
Genome position (GRCh38, 1-based): chr7:17,330,064, A>G. VCF-style: chr7-17330064-A-G. GRCh37 (hg19) VCF-style: chr7-17369688-A-G.
Other names: short protein forms Q188R.
Identifiers: ClinVar variation 1051795 (VCV001051795.8), dbSNP rs763630219, ClinGen allele CA4171868.